The following is an entry in ClinVar:

NM_001211.6(BUB1B):c.850A>C (p.Thr284Pro)

Gene: BUB1B (BUB1 mitotic checkpoint serine/threonine kinase B; plus strand). Cytogenetic location: 15q15.1.
Variant type: single nucleotide variant.
Coding change: c.850A>C on transcript NM_001211.6 (MANE Select); coding-DNA position 850, A replaced by C.
Protein change: p.Thr284Pro; replaces threonine 284 with proline.
Molecular consequence: missense variant.
Genome position (GRCh38, 1-based): chr15:40,185,263, A>C. VCF-style: chr15-40185263-A-C. GRCh37 (hg19) VCF-style: chr15-40477464-A-C.
Other names: short protein forms T284P.
Identifiers: ClinVar variation 3993671 (VCV003993671.1).

ClinVar aggregate classification (germline): Uncertain significance (1 of 4 stars; one submission).

Conditions:
Inborn genetic diseases. Identifiers: MedGen C0950123, MeSH D030342.

Submission:

Ambry Genetics
Classification: Uncertain significance for Inborn genetic diseases. Last evaluated: 2025-03-28. Review status: criteria provided, single submitter. Criteria: Ambry Variant Classification Scheme 2023. Collection method: clinical testing. Allele origin: germline.
Comment: The p.T284P variant (also known as c.850A>C), located in coding exon 7 of the BUB1B gene, results from an A to C substitution at nucleotide position 850. The threonine at codon 284 is replaced by proline, an amino acid with highly similar properties. This amino acid position is conserved. In addition, this alteration is predicted to be tolerated by in silico analysis. Based on the available evidence, the clinical significance of this variant remains unclear.